The following is an entry in ClinVar:

ClinVar aggregate classification (germline): Uncertain significance (1 of 4 stars; one submission).

Conditions:
Neurofibromatosis, type 1 (NF1). Also called: Peripheral type neurofibromatosis; VON RECKLINGHAUSEN DISEASE; NEUROFIBROMATOSIS, TYPE I, SOMATIC; Neurofibromatosis, type I. Identifiers: Orphanet 636, MedGen C0027831, MONDO:0018975, OMIM 162200. Disease mechanism: loss of function.

Submission:

Labcorp Genetics (formerly Invitae), Labcorp
Classification: Uncertain significance for Neurofibromatosis, type 1. Last evaluated: 2025-02-19. Review status: criteria provided, single submitter. Criteria: Invitae Variant Classification Sherloc (09022015). Collection method: clinical testing. Allele origin: germline.
Comment: This sequence change replaces asparagine, which is neutral and polar, with aspartic acid, which is acidic and polar, at codon 1112 of the NF1 protein (p.Asn1112Asp). This variant is not present in population databases (gnomAD no frequency). This variant has not been reported in the literature in individuals affected with NF1-related conditions. ClinVar contains an entry for this variant (Variation ID: 1716461). Invitae Evidence Modeling of protein sequence and biophysical properties (such as structural, functional, and spatial information, amino acid conservation, physicochemical variation, residue mobility, and thermodynamic stability) indicates that this missense variant is expected to disrupt NF1 protein function with a positive predictive value of 95%. In summary, the available evidence is currently insufficient to determine the role of this variant in disease. Therefore, it has been classified as a Variant of Uncertain Significance.

NM_001042492.3(NF1):c.3334A>G (p.Asn1112Asp)

Gene: NF1 (neurofibromin 1; plus strand). Cytogenetic location: 17q11.2.
Variant type: single nucleotide variant.
Coding change: c.3334A>G on transcript NM_001042492.3 (MANE Select); coding-DNA position 3334, A replaced by G.
Protein change: p.Asn1112Asp; replaces asparagine 1112 with aspartic acid.
Molecular consequence: missense variant.
Genome position (GRCh38, 1-based): chr17:31,232,719, A>G. VCF-style: chr17-31232719-A-G. GRCh37 (hg19) VCF-style: chr17-29559737-A-G.
Other names: c.3334A>G, p.Asn1112Asp (NM_000267.4); short protein forms N1112D.
Identifiers: ClinVar variation 1716461 (VCV001716461.5), dbSNP rs2151434486, ClinGen allele CA398989006.